The following is an entry in ClinVar:

NM_016169.4(SUFU):c.1078C>G (p.Leu360Val)

Gene: SUFU (SUFU negative regulator of hedgehog signaling; plus strand). Cytogenetic location: 10q24.32.
Variant type: single nucleotide variant.
Coding change: c.1078C>G on transcript NM_016169.4 (MANE Select); coding-DNA position 1078, C replaced by G.
Protein change: p.Leu360Val; replaces leucine 360 with valine.
Molecular consequence: missense variant.
Genome position (GRCh38, 1-based): chr10:102,615,323, C>G. VCF-style: chr10-102615323-C-G. GRCh37 (hg19) VCF-style: chr10-104375080-C-G.
Other names: c.1078C>G, p.Leu360Val (NM_001178133.2); short protein forms L360V.
Identifiers: ClinVar variation 5030390 (VCV005030390.1).

ClinVar aggregate classification (germline): Uncertain significance (1 of 4 stars; one submission).

Conditions:
Hereditary cancer-predisposing syndrome. Also called: Neoplastic Syndromes, Hereditary; Tumor predisposition; Hereditary neoplastic syndrome; Hereditary Cancer Syndrome. Identifiers: Orphanet 140162, MedGen C0027672, MeSH D009386, MONDO:0015356.

gnomAD v4.1: 1 of 1,614,166 alleles (0.000062%); highest among the groups gnomAD compares: Non-Finnish European, 0.000085%; no homozygotes.

Submission:

Ambry Genetics
Classification: Uncertain significance for Hereditary cancer-predisposing syndrome. Last evaluated: 2026-07-07. Review status: criteria provided, single submitter. Criteria: Ambry Variant Classification Scheme 2023. Collection method: clinical testing. Allele origin: germline.
Comment: The p.L360V variant (also known as c.1078C>G), located in coding exon 9 of the SUFU gene, results from a C to G substitution at nucleotide position 1078. The leucine at codon 360 is replaced by valine, an amino acid with highly similar properties. This amino acid position is conserved. In addition, the in silico prediction for this alteration is inconclusive. Based on the available evidence, the clinical significance of this variant remains unclear.